The following is an entry in ClinVar:

ClinVar aggregate classification (germline): Likely benign (1 of 4 stars; one submission).

Conditions:
Tumor predisposition syndrome 2 (TPDS2). Also called: MBD4-ASSOCIATED NEOPLASIA SYNDROME; MBD4-Related Tumor Predisposition Syndrome; MBD4-associated neoplasia syndrome (MANS). Identifiers: Orphanet 661526, MedGen C5774186, MONDO:0859267, OMIM 619975.

Submission:

Myriad Genetics, Inc.
Classification: Likely benign for Tumor predisposition syndrome 2. Last evaluated: 2026-06-09. Review status: criteria provided, single submitter. Criteria: Myriad Autosomal Dominant, Autosomal Recessive and X-Linked Classification Criteria (2023). Collection method: clinical testing. Allele origin: unknown.
Comment: This variant is considered likely benign. This variant is intronic and is not expected to impact mRNA splicing.

NM_001276270.2(MBD4):c.1648-16_1648-12del

Gene: MBD4 (methyl-CpG binding domain 4, DNA glycosylase; minus strand). Cytogenetic location: 3q21.3.
Variant type: Deletion.
Coding change: c.1648-16_1648-12del on transcript NM_001276270.2 (MANE Select); 16 bases into the intron before coding-DNA position 1648 through 12 bases into the intron before coding-DNA position 1648, 5 bases deleted (CTTAT; older notation c.1648-16_1648-12delCTTAT).
Molecular consequence: intron variant.
Genome position (GRCh38, 1-based): chr3:129,431,590-129,431,594, ATAAG deleted on the plus strand (CTTAT on the coding strand, the reverse complement: MBD4 is on the minus strand); deleting any 5 consecutive bases within chr3:129,431,590-129,431,597 gives the same sequence; the c. name uses the placement nearest the transcript's 3' end. VCF-style (leftmost placement, unchanged base first): chr3-129431589-CATAAG-C. GRCh37 (hg19) VCF-style: chr3-129150432-CATAAG-C.
Other names: c.712-16_712-12del (NM_001276273.2); c.1613-16_1613-12del (NM_001276272.2); c.1666-16_1666-12del (NM_003925.3).
Identifiers: ClinVar variation 4875971 (VCV004875971.1).